The following is an entry in ClinVar:

NM_201384.3(PLEC):c.9632C>T (p.Pro3211Leu)

Gene: PLEC (plectin; minus strand). Cytogenetic location: 8q24.3.
Variant type: single nucleotide variant.
Coding change: c.9632C>T on transcript NM_201384.3 (MANE Select); coding-DNA position 9632, C replaced by T.
Protein change: p.Pro3211Leu; replaces proline 3211 with leucine.
Molecular consequence: missense variant.
Genome position (GRCh38, 1-based): chr8:143,920,189, G>A on the plus strand (C>T on the coding strand, the complement: PLEC is on the minus strand). VCF-style: chr8-143920189-G-A. GRCh37 (hg19) VCF-style: chr8-144994357-G-A.
Other names: c.9713C>T, p.Pro3238Leu (NM_000445.5); c.9590C>T, p.Pro3197Leu (NM_201378.4); c.9566C>T, p.Pro3189Leu (NM_201379.3); c.10043C>T, p.Pro3348Leu (NM_201380.4); c.9536C>T, p.Pro3179Leu (NM_201381.3); c.9632C>T, p.Pro3211Leu (NM_201382.4); c.9644C>T, p.Pro3215Leu (NM_201383.3); c.9713C>T (NM_000445.3); short protein forms P3197L, P3215L, P3179L, P3189L, P3211L, P3238L, P3348L.
Identifiers: ClinVar variation 471675 (VCV000471675.10), dbSNP rs781793644, ClinGen allele CA4924908.

ClinVar aggregate classification (germline): Uncertain significance. Review status: criteria provided, multiple submitters, no conflicts (2 of 4 stars). 3 submissions from 3 submitters: Uncertain significance (3). Last evaluated 2026-01-06.

Conditions:
Inborn genetic diseases. Identifiers: MedGen C0950123, MeSH D030342.
Epidermolysis bullosa simplex with nail dystrophy (EBS5D). Identifiers: MedGen C4225309, MONDO:0014661, OMIM 616487.
Epidermolysis bullosa simplex, Ogna type (EBS5A). Also called: Pidermolysis bullosa simplex 5A, Ogna type; EPIDERMOLYSIS BULLOSA SIMPLEX 5A, OGNA TYPE. Identifiers: Orphanet 79401, MedGen C0432317, MONDO:0007555, OMIM 131950.
Autosomal recessive limb-girdle muscular dystrophy type 2Q (LGMDR17). Also called: MUSCULAR DYSTROPHY, LIMB-GIRDLE, AUTOSOMAL RECESSIVE 17. Identifiers: Orphanet 254361, MedGen C3150989, MONDO:0013390, OMIM 613723.
Epidermolysis bullosa simplex 5C, with pyloric atresia (EBS5C). Also called: PLEC-Related Epidermolysis Bullosa with Pyloric Atresia; Epidermolysis bullosa simplex with pyloric atresia; PLEC1-Related Epidermolysis Bullosa with Pyloric Atresia. Identifiers: Orphanet 158684, MedGen C2677349, MONDO:0012807, OMIM 612138.
Epidermolysis bullosa simplex 5B, with muscular dystrophy (EBS5B). Also called: EPIDERMOLYSIS BULLOSA SIMPLEX AND LIMB-GIRDLE MUSCULAR DYSTROPHY; Epidermolysis bullosa simplex with muscular dystrophy. Identifiers: Orphanet 257, MedGen C2931072, MONDO:0009181, OMIM 226670.

Allele frequency attached by ClinVar (database versions not stated): TOPMed 0.00001; gnomAD 0.00003; gnomAD exomes 0.00004; ExAC 0.00005.
gnomAD v4.1: 60 of 1,611,110 alleles (0.0037%); highest among the groups gnomAD compares: Non-Finnish European, 0.0042%; no homozygotes.

Submissions (3):

Labcorp Genetics (formerly Invitae), Labcorp
Classification: Uncertain significance for Autosomal recessive limb-girdle muscular dystrophy type 2Q; Epidermolysis bullosa simplex, Ogna type; Epidermolysis bullosa simplex with nail dystrophy; Epidermolysis bullosa simplex 5C, with pyloric atresia; Epidermolysis bullosa simplex 5B, with muscular dystrophy. Last evaluated: 2026-01-06. Review status: criteria provided, single submitter. Criteria: Invitae Variant Classification Sherloc (09022015). Collection method: clinical testing. Allele origin: germline.
Comment: This sequence change replaces proline, which is neutral and non-polar, with leucine, which is neutral and non-polar, at codon 3238 of the PLEC protein (p.Pro3238Leu). This variant is present in population databases (rs781793644, gnomAD 0.006%). This missense change has been observed in individual(s) with clinical features of PLEC-related conditions (internal data). ClinVar contains an entry for this variant (Variation ID: 471675). An algorithm developed to predict the effect of missense changes on protein structure and function outputs the following: PolyPhen-2: "Benign". The leucine amino acid residue is found in multiple mammalian species, which suggests that this missense change does not adversely affect protein function. In summary, the available evidence is currently insufficient to determine the role of this variant in disease. Therefore, it has been classified as a Variant of Uncertain Significance.

Ambry Genetics
Classification: Uncertain significance for Inborn genetic diseases. Last evaluated: 2025-06-24. Review status: criteria provided, single submitter. Criteria: Ambry Variant Classification Scheme 2023. Collection method: clinical testing. Allele origin: germline.

Revvity Omics, Revvity
Classification: Uncertain significance. Last evaluated: 2019-12-09. Review status: criteria provided, single submitter. Criteria: ACMG Guidelines, 2015. Collection method: clinical testing. Allele origin: germline.